The following is an entry in ClinVar:

NM_001035.3(RYR2):c.14091-121C>A

Gene: RYR2 (ryanodine receptor 2; plus strand). Cytogenetic location: 1q43.
Variant type: single nucleotide variant.
Coding change: c.14091-121C>A on transcript NM_001035.3 (MANE Select); 121 bases into the intron before coding-DNA position 14091, C replaced by A.
Molecular consequence: intron variant.
Genome position (GRCh38, 1-based): chr1:237,801,735, C>A. VCF-style: chr1-237801735-C-A. GRCh37 (hg19) VCF-style: chr1-237965035-C-A.
Identifiers: ClinVar variation 672162 (VCV000672162.2), dbSNP rs2790346, ClinGen allele CA10757361.
Genomic context (GRCh38, chr1:237,801,735, plus strand): 5'-CTCTAGGATACAGTGTCAGAGTTGGCTCTCAGCTCCTCCCTTGGCATCTGGGATAGAACT[C>A]GTTTCCCAAGAAGGTGTCCAAGTCTTGTCCCATTGAATGTGAAGGCCGTCAGGCTCTCGC-3'

ClinVar aggregate classification (germline): Benign. Review status: criteria provided, multiple submitters, no conflicts (2 of 4 stars). 2 submissions from 2 submitters: Benign (2). Last evaluated 2018-06-16.

Allele frequency attached by ClinVar (database versions not stated): gnomAD 0.40805 and 0.41354; TOPMed 0.41164; 1000 Genomes Project 30x 0.45909; 1000 Genomes Project 0.46306.
gnomAD v4.1: 222,376 of 530,586 alleles (42%); highest among the groups gnomAD compares: East Asian, 64%; 48,547 homozygotes.

Submissions (2):

GeneDx
Classification: Benign. Last evaluated: 2018-06-16. Review status: criteria provided, single submitter. Criteria: GeneDx Variant Classification (06012015). Collection method: clinical testing. Allele origin: germline. Affected: yes.
Comment: This variant is considered likely benign or benign based on one or more of the following criteria: it is a conservative change, it occurs at a poorly conserved position in the protein, it is predicted to be benign by multiple in silico algorithms, and/or has population frequency not consistent with disease.

Breakthrough Genomics
Classification: Benign. Review status: criteria provided, single submitter. Criteria: ACMG Guidelines, 2015. Collection method: not provided. Allele origin: germline. Inheritance: Autosomal dominant inheritance. Affected: yes.